The following is an entry in ClinVar:

NM_033087.4(ALG2):c.258C>T (p.Ala86=)

Gene: ALG2 (ALG2 alpha-1,3/1,6-mannosyltransferase; minus strand). Cytogenetic location: 9q22.33.
Variant type: single nucleotide variant.
Coding change: c.258C>T on transcript NM_033087.4 (MANE Select); coding-DNA position 258, C replaced by T.
Protein change: p.Ala86=; no amino-acid change (alanine 86 retained).
Molecular consequence: synonymous variant. On other transcripts: non-coding transcript variant (1).
Genome position (GRCh38, 1-based): chr9:99,221,637, G>A on the plus strand (C>T on the coding strand, the complement: ALG2 is on the minus strand). VCF-style: chr9-99221637-G-A. GRCh37 (hg19) VCF-style: chr9-101983919-G-A.
Identifiers: ClinVar variation 382275 (VCV000382275.5), dbSNP rs1057521308, ClinGen allele CA16605941.

ClinVar aggregate classification (germline): Likely benign. Review status: criteria provided, multiple submitters, no conflicts (2 of 4 stars). 2 submissions from 2 submitters: Likely benign (2). Last evaluated 2022-07-21.

Conditions:
Congenital disorder of glycosylation, type Ii. Also called: CDG Ii; ALG2-CDG; ALG2-congenital disorder of glycosylation. Identifiers: Orphanet 79326, MedGen C1842836, MONDO:0011933, OMIM 607906.
Congenital myasthenic syndrome 14. Also called: Myasthenic syndrome, congenital, 14, with tubular aggregates. Identifiers: Orphanet 353327, Orphanet 590, MedGen C4015597, MONDO:0014543, OMIM 616228.

Allele frequency attached by ClinVar (database versions not stated): TOPMed below 0.00001.

Submissions (2):

Labcorp Genetics (formerly Invitae), Labcorp
Classification: Likely benign for Congenital disorder of glycosylation, type Ii; Congenital myasthenic syndrome 14. Last evaluated: 2022-07-21. Review status: criteria provided, single submitter. Criteria: Invitae Variant Classification Sherloc (09022015). Collection method: clinical testing. Allele origin: germline.

GeneDx
Classification: Likely benign. Last evaluated: 2016-02-03. Review status: criteria provided, single submitter. Criteria: GeneDx Variant Classification (06012015). Collection method: clinical testing. Allele origin: germline. Affected: yes.
Comment: This variant is considered likely benign or benign based on one or more of the following criteria: it is a conservative change, it occurs at a poorly conserved position in the protein, it is predicted to be benign by multiple in silico algorithms, and/or has population frequency not consistent with disease.